The following is an entry in ClinVar:

ClinVar aggregate classification (germline): Uncertain significance. Review status: criteria provided, multiple submitters, no conflicts (2 of 4 stars). 2 submissions from 2 submitters: Uncertain significance (2). Last evaluated 2025-11-06.

Conditions:
MHC class I deficiency. Identifiers: Orphanet 34592, MedGen C6024714, MONDO:0011476.

Allele frequency attached by ClinVar (database versions not stated): TOPMed 0.00003; gnomAD 0.00001.
gnomAD v4.1: 22 of 1,607,438 alleles (0.0014%); highest among the groups gnomAD compares: Admixed American, 0.017%; no homozygotes.

Submissions (2):

Labcorp Genetics (formerly Invitae), Labcorp
Classification: Uncertain significance for MHC class I deficiency 1. Last evaluated: 2025-11-06. Review status: criteria provided, single submitter. Criteria: Invitae Variant Classification Sherloc (09022015). Collection method: clinical testing. Allele origin: germline.
Comment: This sequence change replaces histidine, which is basic and polar, with arginine, which is basic and polar, at codon 90 of the TAPBP protein (p.His90Arg). This variant is present in population databases (rs772919424, gnomAD 0.02%). This variant has not been reported in the literature in individuals affected with TAPBP-related conditions. ClinVar contains an entry for this variant (Variation ID: 936770). An algorithm developed to predict the effect of missense changes on protein structure and function outputs the following: PolyPhen-2: "Benign". The arginine amino acid residue is found in multiple mammalian species, which suggests that this missense change does not adversely affect protein function. In summary, the available evidence is currently insufficient to determine the role of this variant in disease. Therefore, it has been classified as a Variant of Uncertain Significance.

Ambry Genetics
Classification: Uncertain significance. Last evaluated: 2023-07-12. Review status: criteria provided, single submitter. Criteria: Ambry Variant Classification Scheme 2023. Collection method: clinical testing. Allele origin: germline.

NM_003190.5(TAPBP):c.269A>G (p.His90Arg)

Gene: TAPBP (TAP binding protein; minus strand). Cytogenetic location: 6p21.32.
Variant type: single nucleotide variant.
Coding change: c.269A>G on transcript NM_003190.5 (MANE Select); coding-DNA position 269, A replaced by G.
Protein change: p.His90Arg; replaces histidine 90 with arginine.
Molecular consequence: missense variant. On other transcripts: intron variant (1).
Genome position (GRCh38, 1-based): chr6:33,313,417, T>C on the plus strand (A>G on the coding strand, the complement: TAPBP is on the minus strand). VCF-style: chr6-33313417-T-C. GRCh37 (hg19) VCF-style: chr6-33281194-T-C.
Other names: c.269A>G, p.His90Arg (NM_172208.3); c.208+277A>G (NM_172209.3); short protein forms H90R.
Identifiers: ClinVar variation 936770 (VCV000936770.11), dbSNP rs772919424, ClinGen allele CA3755922.
Genomic context (GRCh38, chr6:33,313,417, plus strand): 5'-GTCAGGCCGCTGGCCCATTTCGCAGAGGCGGGGAGAGGCACGAAGCGGCTCATCTCGCAG[T>C]GTGGTGCGGGGGCGCCCCGGGGATACCGCCTGAAGGCAGCCTGGAGGGCGCCCGCGGGGT-3'
Protein context (NP_003181.3, residues 80-100): RRYPRGAPAP[His90Arg]CEMSRFVPLP